The following is an entry in ClinVar:

ClinVar aggregate classification (germline): Uncertain significance. Review status: criteria provided, multiple submitters, no conflicts (2 of 4 stars). 9 submissions from 9 submitters: Uncertain significance (9). Last evaluated 2025-12-29.

Conditions:
Hereditary cancer-predisposing syndrome. Also called: Hereditary neoplastic syndrome; Neoplastic Syndromes, Hereditary; Tumor predisposition; Hereditary Cancer Syndrome. Identifiers: Orphanet 140162, MedGen C0027672, MeSH D009386, MONDO:0015356.
Familial adenomatous polyposis 1 (FAP1). Also called: POLYPOSIS, ADENOMATOUS INTESTINAL; FAMILIAL ADENOMATOUS POLYPOSIS 1, ATTENUATED. Identifiers: MedGen C2713442, MONDO:0021056, OMIM 175100. Disease mechanism: loss of function.
Classic or attenuated familial adenomatous polyposis. Identifiers: MedGen CN372698, MONDO:0021057.

Allele frequency attached by ClinVar (database versions not stated): gnomAD exomes below 0.00001; gnomAD 0.00001; TOPMed 0.00002.
gnomAD v4.1: 2 of 1,610,868 alleles (0.00012%); highest among the groups gnomAD compares: African/African-American, 0.0027%; no homozygotes.

Submissions (9):

Labcorp Genetics (formerly Invitae), Labcorp
Classification: Uncertain significance for Familial adenomatous polyposis 1. Last evaluated: 2025-12-29. Review status: criteria provided, single submitter. Criteria: Invitae Variant Classification Sherloc (09022015). Collection method: clinical testing. Allele origin: germline.
Comment: This sequence change replaces glycine, which is neutral and non-polar, with alanine, which is neutral and non-polar, at codon 2164 of the APC protein (p.Gly2164Ala). This variant is present in population databases (no rsID available, gnomAD 0.01%). This variant has not been reported in the literature in individuals affected with APC-related conditions. ClinVar contains an entry for this variant (Variation ID: 470048). Invitae Evidence Modeling of protein sequence and biophysical properties (such as structural, functional, and spatial information, amino acid conservation, physicochemical variation, residue mobility, and thermodynamic stability) indicates that this missense variant is not expected to disrupt APC protein function with a negative predictive value of 95%. In summary, the available evidence is currently insufficient to determine the role of this variant in disease. Therefore, it has been classified as a Variant of Uncertain Significance.

Ambry Genetics
Classification: Uncertain significance for Hereditary cancer-predisposing syndrome. Last evaluated: 2025-04-03. Review status: criteria provided, single submitter. Criteria: Ambry Variant Classification Scheme 2023. Collection method: clinical testing. Allele origin: germline.
Comment: The p.G2164A variant (also known as c.6491G>C), located in coding exon 15 of the APC gene, results from a G to C substitution at nucleotide position 6491. The glycine at codon 2164 is replaced by alanine, an amino acid with similar properties. This amino acid position is highly conserved in available vertebrate species. In addition, in silico predictors for this gene do not accurately predict pathogenicity. Missense alterations in APC are not a common cause of disease (Spier I et al. Genet Med. 2024 Feb;26(2):100992). Since supporting evidence is limited at this time, the clinical significance of this alteration remains unclear.

All of Us Research Program, National Institutes of Health
Classification: Uncertain significance for Classic or attenuated familial adenomatous polyposis. Last evaluated: 2024-03-24. Review status: criteria provided, single submitter. Criteria: ACMG Guidelines, 2015. Collection method: clinical testing. Allele origin: germline. Inheritance: Autosomal dominant inheritance. Observed: 2 variant alleles, 2 heterozygotes.
Comment: This missense variant replaces glycine with alanine at codon 2164 of the APC protein. Computational prediction suggests that this variant may not impact protein structure and function (internally defined REVEL score threshold <= 0.5, PMID: 27666373). To our knowledge, functional studies have not been reported for this variant. This variant has not been reported in individuals affected with APC-related disorders in the literature. This variant has been identified in 1/31390 chromosomes in the general population by the Genome Aggregation Database (gnomAD). The available evidence is insufficient to determine the role of this variant in disease conclusively. Therefore, this variant is classified as a Variant of Uncertain Significance.

This study involves interpretation of variants in research participants for the purpose of population health screening. Participant phenotype was not available at the time of variant classification. Additional details can be found in publication PMID: 35346344, PMCID: PMC8962531

Color Diagnostics, LLC DBA Color Health
Classification: Uncertain significance for Hereditary cancer-predisposing syndrome. Last evaluated: 2024-02-21. Review status: criteria provided, single submitter. Criteria: ACMG Guidelines, 2015. Collection method: clinical testing. Allele origin: germline.
Comment: This missense variant replaces glycine with alanine at codon 2164 of the APC protein. Computational prediction suggests that this variant may not impact protein structure and function (internally defined REVEL score threshold <= 0.5, PMID: 27666373). To our knowledge, functional studies have not been reported for this variant. This variant has not been reported in individuals affected with APC-related disorders in the literature. This variant has been identified in 1/31390 chromosomes in the general population by the Genome Aggregation Database (gnomAD). The available evidence is insufficient to determine the role of this variant in disease conclusively. Therefore, this variant is classified as a Variant of Uncertain Significance.

Quest Diagnostics Nichols Institute San Juan Capistrano
Classification: Uncertain significance. Last evaluated: 2024-02-02. Review status: criteria provided, single submitter. Criteria: Quest Diagnostics criteria. Collection method: clinical testing. Allele origin: unknown.
Comment: The APC c.6491G>C (p.Gly2164Ala) variant has not been reported in individuals with APC-related conditions in the published literature. The frequency of this variant in the general population, 0.000032 (1/31390 chromosomes (Genome Aggregation Database)), is uninformative in the assessment of its pathogenicity. Analysis of this variant using bioinformatics tools for the prediction of the effect of amino acid changes on protein structure and function yielded predictions that this variant is damaging. Based on the available information, we are unable to determine the clinical significance of this variant.

Baylor Genetics
Classification: Uncertain significance for Familial adenomatous polyposis 1. Last evaluated: 2023-10-10. Review status: criteria provided, single submitter. Criteria: ACMG Guidelines, 2015. Collection method: clinical testing. Allele origin: unknown.

Women's Health and Genetics/Laboratory Corporation of America, LabCorp
Classification: Uncertain significance. Last evaluated: 2023-06-22. Review status: criteria provided, single submitter. Criteria: LabCorp Variant Classification Summary - May 2015. Collection method: clinical testing. Allele origin: germline.

GeneDx
Classification: Uncertain significance. Last evaluated: 2021-12-22. Review status: criteria provided, single submitter. Criteria: GeneDx Variant Classification Process June 2021. Collection method: clinical testing. Allele origin: germline. Affected: yes.
Comment: Not observed at a significant frequency in large population cohorts (Lek 2016); In silico analysis supports that this missense variant does not alter protein structure/function; Has not been previously published as pathogenic or benign to our knowledge

Sema4
Classification: Uncertain significance for Hereditary cancer-predisposing syndrome. Last evaluated: 2021-06-08. Review status: criteria provided, single submitter. Criteria: Sema4 Curation Guidelines. Collection method: curation. Allele origin: germline.
Comment: To the best of our knowledge, the APC c.6491G>C (p.G2164A) variant has not been reported in individuals with APC-related disease. This variant was observed in 1/8710 chromosomes in the African population according to the Genome Aggregation Database (PMID: 32461654) and has been reported in ClinVar (Variation ID: 470048). In silico tools suggest the impact of the variant on protein function is inconclusive, though these predictions have not been confirmed by functional studies. Based on the current evidence available, this variant is interpreted as a variant of uncertain significance.

Literature cited by the submitters: PubMed 30122538 (cited by Quest Diagnostics Nichols Institute San Juan Capistrano).

NM_000038.6(APC):c.6491G>C (p.Gly2164Ala)

Gene: APC (APC regulator of Wnt signaling pathway; plus strand). Cytogenetic location: 5q22.2.
Variant type: single nucleotide variant.
Coding change: c.6491G>C on transcript NM_000038.6 (MANE Select); coding-DNA position 6491, G replaced by C.
Protein change: p.Gly2164Ala; replaces glycine 2164 with alanine.
Molecular consequence: missense variant.
Genome position (GRCh38, 1-based): chr5:112,842,085, G>C. VCF-style: chr5-112842085-G-C. GRCh37 (hg19) VCF-style: chr5-112177782-G-C.
Other names: c.6491G>C, p.Gly2164Ala (NM_001127510.3, NM_001354895.2); c.6437G>C, p.Gly2146Ala (NM_001127511.3); c.6545G>C, p.Gly2182Ala (NM_001354896.2); c.6521G>C, p.Gly2174Ala (NM_001354897.2); c.6416G>C, p.Gly2139Ala (NM_001354898.2); c.6407G>C, p.Gly2136Ala (NM_001354899.2); c.6368G>C, p.Gly2123Ala (NM_001354900.2); c.6314G>C, p.Gly2105Ala (NM_001354901.2); and 5 more; short protein forms G2164A, G2146A, G1881A, G2063A, G2182A, G2073A, G2174A, G2004A.
Identifiers: ClinVar variation 470048 (VCV000470048.31), dbSNP rs1490726940, ClinGen allele CA16035540.